The following is an entry in ClinVar:

NM_017780.4(CHD7):c.5308G>T (p.Asp1770Tyr)

Gene: CHD7 (chromodomain helicase DNA binding protein 7; plus strand). Cytogenetic location: 8q12.2.
Variant type: single nucleotide variant.
Coding change: c.5308G>T on transcript NM_017780.4 (MANE Select); coding-DNA position 5308, G replaced by T.
Protein change: p.Asp1770Tyr; replaces aspartic acid 1770 with tyrosine.
Molecular consequence: missense variant. On other transcripts: intron variant (1).
Genome position (GRCh38, 1-based): chr8:60,849,058, G>T. VCF-style: chr8-60849058-G-T. GRCh37 (hg19) VCF-style: chr8-61761617-G-T.
Other names: c.1717-13171G>T (NM_001316690.1); c.5308G>T (NM_017780.3); short protein forms D1770Y.
Identifiers: ClinVar variation 2439990 (VCV002439990.7), dbSNP rs762824174, ClinGen allele CA371321017.

ClinVar aggregate classification (germline): Uncertain significance. Review status: criteria provided, multiple submitters, no conflicts (2 of 4 stars). 4 submissions from 4 submitters: Uncertain significance (4). Last evaluated 2026-08-17.

Conditions:
CHARGE syndrome (CHARGE). Also called: Hittner Hirsch Kreh syndrome; CHARGE ASSOCIATION--COLOBOMA, HEART ANOMALY, CHOANAL ATRESIA, RETARDATION, GENITAL AND EAR ANOMALIES; Coloboma, heart anomaly, choanal atresia, retardation, genital and ear anomalies; CHARGE association; Hall-Hittner syndrome. Identifiers: Orphanet 138, MedGen C0265354, MONDO:0008965.
Hypogonadotropic hypogonadism 5 with or without anosmia (KAL5). Also called: HYPOGONADOTROPIC HYPOGONADISM 5 WITH ANOSMIA; HYPOGONADOTROPHIC HYPOGONADISM 5 WITHOUT ANOSMIA; CHD7-Related GnRH Deficiency (Kallmann Syndrome 5). Identifiers: Orphanet 478, MedGen C3552553, MONDO:0012880, OMIM 612370. Disease mechanism: loss of function.
Inborn genetic diseases. Identifiers: MedGen C0950123, MeSH D030342.

gnomAD v4.1: 3 of 1,612,084 alleles (0.00019%); highest among the groups gnomAD compares: Admixed American, 0.0017%; no homozygotes.

Submissions (4):

Ambry Genetics
Classification: Uncertain significance for Inborn genetic diseases. Last evaluated: 2026-08-17. Review status: criteria provided, single submitter. Criteria: Ambry Variant Classification Scheme 2023. Collection method: clinical testing. Allele origin: germline.
Comment: The c.5308G>T (p.D1770Y) alteration is located in exon 25 (coding exon 24) of the CHD7 gene. This alteration results from a G to T substitution at nucleotide position 5308, causing the aspartic acid (D) at amino acid position 1770 to be replaced by a tyrosine (Y). Based on data from gnomAD, the T allele has an overall frequency of 0.001% (2/249236) total alleles studied. The highest observed frequency was 0.003% (1/34520) of Latino alleles. Based on insufficient or conflicting evidence, the clinical significance of this alteration remains unclear.

Labcorp Genetics (formerly Invitae), Labcorp
Classification: Uncertain significance for CHARGE syndrome. Last evaluated: 2024-06-05. Review status: criteria provided, single submitter. Criteria: Invitae Variant Classification Sherloc (09022015). Collection method: clinical testing. Allele origin: germline.
Comment: This sequence change replaces aspartic acid, which is acidic and polar, with tyrosine, which is neutral and polar, at codon 1770 of the CHD7 protein (p.Asp1770Tyr). This variant is present in population databases (no rsID available, gnomAD 0.003%). This variant has not been reported in the literature in individuals affected with CHD7-related conditions. ClinVar contains an entry for this variant (Variation ID: 2439990). Advanced modeling of protein sequence and biophysical properties (such as structural, functional, and spatial information, amino acid conservation, physicochemical variation, residue mobility, and thermodynamic stability) has been performed at Invitae for this missense variant, however the output from this modeling did not meet the statistical confidence thresholds required to predict the impact of this variant on CHD7 protein function. In summary, the available evidence is currently insufficient to determine the role of this variant in disease. Therefore, it has been classified as a Variant of Uncertain Significance.

Fulgent Genetics
Classification: Uncertain significance for CHD7-related CHARGE syndrome; Hypogonadotropic hypogonadism 5 with or without anosmia. Last evaluated: 2024-03-17. Review status: criteria provided, single submitter. Criteria: ACMG Guidelines, 2015. Collection method: clinical testing. Allele origin: germline.

Revvity Omics, Revvity
Classification: Uncertain significance. Last evaluated: 2022-03-08. Review status: criteria provided, single submitter. Criteria: ACMG Guidelines, 2015. Collection method: clinical testing. Allele origin: germline.